The following is an entry in ClinVar:

ClinVar aggregate classification (germline): Uncertain significance (1 of 4 stars; one submission).

Conditions:
Hereditary cancer-predisposing syndrome. Also called: Hereditary neoplastic syndrome; Neoplastic Syndromes, Hereditary; Tumor predisposition; Hereditary Cancer Syndrome. Identifiers: Orphanet 140162, MedGen C0027672, MeSH D009386, MONDO:0015356.

Submission:

Ambry Genetics
Classification: Uncertain significance for Hereditary cancer-predisposing syndrome. Last evaluated: 2026-08-21. Review status: criteria provided, single submitter. Criteria: Ambry Variant Classification Scheme 2023. Collection method: clinical testing. Allele origin: germline.
Comment: The p.S183I variant (also known as c.548G>T), located in coding exon 5 of the TSC1 gene, results from a G to T substitution at nucleotide position 548. The serine at codon 183 is replaced by isoleucine, an amino acid with dissimilar properties. This amino acid position is highly conserved in available vertebrate species. In addition, this alteration is predicted to be deleterious by in silico analysis. Based on the available evidence, the clinical significance of this variant remains unclear.

NM_000368.5(TSC1):c.548G>T (p.Ser183Ile)

Gene: TSC1 (TSC complex subunit 1; minus strand). Cytogenetic location: 9q34.13.
Variant type: single nucleotide variant.
Coding change: c.548G>T on transcript NM_000368.5 (MANE Select); coding-DNA position 548, G replaced by T.
Protein change: p.Ser183Ile; replaces serine 183 with isoleucine.
Molecular consequence: missense variant. On other transcripts: 5 prime UTR variant (5), non-coding transcript variant (5).
Genome position (GRCh38, 1-based): chr9:132,921,934, C>A on the plus strand (G>T on the coding strand, the complement: TSC1 is on the minus strand). VCF-style: chr9-132921934-C-A. GRCh37 (hg19) VCF-style: chr9-135797321-C-A.
Other names: c.548G>T, p.Ser183Ile (NM_001162426.2, NM_001406592.1, NM_001406593.1 and 16 more transcripts); c.395G>T, p.Ser132Ile (NM_001162427.2, NM_001406610.1, NM_001406611.1 and 2 more transcripts); c.185G>T, p.Ser62Ile (NM_001362177.2, NM_001406623.1, NM_001406624.1 and 10 more transcripts); c.-330G>T (NM_001406626.1, NM_001406627.1, NM_001406628.1); c.-472G>T (NM_001406629.1); c.-546G>T (NM_001406630.1); short protein forms S132I, S183I, S62I.
Identifiers: ClinVar variation 3462488 (VCV003462488.2).